The following is an entry in ClinVar:

ClinVar aggregate classification (germline): Uncertain significance (1 of 4 stars; one submission).

Allele frequency attached by ClinVar (database versions not stated): ExAC 0.00001; gnomAD 0.00001; TOPMed 0.00001; gnomAD exomes 0.00002.
gnomAD v4.1: 30 of 1,614,088 alleles (0.0019%); highest among the groups gnomAD compares: Non-Finnish European, 0.0025%; no homozygotes.

Submission:

CeGaT Center for Human Genetics Tuebingen
Classification: Uncertain significance. Last evaluated: 2022-03-01. Review status: criteria provided, single submitter. Criteria: CeGaT Center For Human Genetics Tuebingen Variant Classification Criteria Version 2. Collection method: clinical testing. Allele origin: germline. Affected: yes. Observed: 1 variant allele.
Comment: SYNE1: PM2, BP4

NM_182961.4(SYNE1):c.25183A>C (p.Lys8395Gln)

Gene: SYNE1 (spectrin repeat containing nuclear envelope protein 1; minus strand). Cytogenetic location: 6q25.2.
Variant type: single nucleotide variant.
Coding change: c.25183A>C on transcript NM_182961.4 (MANE Select); coding-DNA position 25183, A replaced by C.
Protein change: p.Lys8395Gln; replaces lysine 8395 with glutamine.
Molecular consequence: missense variant.
Genome position (GRCh38, 1-based): chr6:152,141,266, T>G on the plus strand (A>C on the coding strand, the complement: SYNE1 is on the minus strand). VCF-style: chr6-152141266-T-G. GRCh37 (hg19) VCF-style: chr6-152462401-T-G.
Other names: c.1789A>C, p.Lys597Gln (NM_001347701.2); c.1717A>C, p.Lys573Gln (NM_001347702.2); c.25039A>C, p.Lys8347Gln (NM_033071.5); short protein forms K573Q, K597Q, K8347Q, K8395Q.
Identifiers: ClinVar variation 2657001 (VCV002657001.24), dbSNP rs770498618, ClinGen allele CA4052907.